The following is an entry in ClinVar:

ClinVar aggregate classification (germline): Pathogenic (1 of 4 stars; one submission).

Conditions:
GLUT1 deficiency syndrome 1, autosomal recessive. Identifiers: MedGen C3149117.

Submission:

Labcorp Genetics (formerly Invitae), Labcorp
Classification: Pathogenic for GLUT1 deficiency syndrome 1, autosomal recessive. Last evaluated: 2025-07-03. Review status: criteria provided, single submitter. Criteria: Invitae Variant Classification Sherloc (09022015). Collection method: clinical testing. Allele origin: germline.
Comment: This sequence change creates a premature translational stop signal (p.Gln25*) in the SLC2A1 gene. It is expected to result in an absent or disrupted protein product. Loss-of-function variants in SLC2A1 are known to be pathogenic (PMID: 21832227, 26193382). This variant is not present in population databases (gnomAD no frequency). This premature translational stop signal has been observed in individual(s) with glucose transporter type 1 deficiency syndrome (PMID: 32005694, 34880899). For these reasons, this variant has been classified as Pathogenic.

Literature cited by the submitters: PubMed 21832227; PubMed 26193382; PubMed 32005694; PubMed 34880899.

NM_006516.4(SLC2A1):c.73C>T (p.Gln25Ter)

Gene: SLC2A1 (solute carrier family 2 member 1; minus strand). Cytogenetic location: 1p34.2.
Variant type: single nucleotide variant.
Coding change: c.73C>T on transcript NM_006516.4 (MANE Select); coding-DNA position 73, C replaced by T.
Protein change: p.Gln25Ter; replaces glutamine 25 with a stop codon.
Molecular consequence: nonsense.
Genome position (GRCh38, 1-based): chr1:42,943,267, G>A on the plus strand (C>T on the coding strand, the complement: SLC2A1 is on the minus strand). VCF-style: chr1-42943267-G-A. GRCh37 (hg19) VCF-style: chr1-43408938-G-A.
Other names: short protein forms Q25*.
Identifiers: ClinVar variation 4763740 (VCV004763740.1).